The following is an entry in ClinVar:

ClinVar aggregate classification (germline): Uncertain significance (1 of 4 stars; one submission).

Allele frequency attached by ClinVar (database versions not stated): ExAC 0.00006; gnomAD exomes 0.00006 and 0.00004; gnomAD 0.00007 and 0.00001; 1000 Genomes Project 30x 0.00047; 1000 Genomes Project 0.00060; TOPMed 0.00002.

Submission:

Labcorp Genetics (formerly Invitae), Labcorp
Classification: Uncertain significance. Last evaluated: 2020-01-23. Review status: criteria provided, single submitter. Criteria: Invitae Variant Classification Sherloc (09022015). Collection method: clinical testing. Allele origin: germline.
Comment: In summary, the available evidence is currently insufficient to determine the role of this variant in disease. Therefore, it has been classified as a Variant of Uncertain Significance. Nucleotide substitutions within the consensus splice site are a relatively common cause of aberrant splicing (PMID: 17576681, 9536098). Algorithms developed to predict the effect of sequence changes on RNA splicing suggest that this variant may disrupt the consensus splice site, but this prediction has not been confirmed by published transcriptional studies. Algorithms developed to predict the effect of missense changes on protein structure and function are either unavailable or do not agree on the potential impact of this missense change (SIFT: "Deleterious"; PolyPhen-2: "Probably Damaging"; Align-GVGD: "Class C0"). This variant has not been reported in the literature in individuals with CCNF-related conditions. This variant is present in population databases (rs541386499, ExAC 0.04%). This sequence change replaces valine with methionine at codon 629 of the CCNF protein (p.Val629Met). The valine residue is highly conserved and there is a small physicochemical difference between valine and methionine. This variant also falls at the last nucleotide of exon 16 of the CCNF coding sequence, which is part of the consensus splice site for this exon.

Literature cited by the submitters: PubMed 17576681; PubMed 9536098.

NM_001761.3(CCNF):c.1885G>A (p.Val629Met)

Gene: CCNF (cyclin F; plus strand). Cytogenetic location: 16p13.3.
Variant type: single nucleotide variant.
Coding change: c.1885G>A on transcript NM_001761.3 (MANE Select); coding-DNA position 1885, G replaced by A.
Protein change: p.Val629Met; replaces valine 629 with methionine.
Molecular consequence: missense variant.
Genome position (GRCh38, 1-based): chr16:2,455,564, G>A. VCF-style: chr16-2455564-G-A. GRCh37 (hg19) VCF-style: chr16-2505565-G-A.
Other names: c.961G>A, p.Val321Met (NM_001323538.2); short protein forms V321M, V629M.
Identifiers: ClinVar variation 1061673 (VCV001061673.9), dbSNP rs541386499, ClinGen allele CA7842760.